The following continues an entry in ClinVar:

NM_000059.4(BRCA2):c.1796_1800del (p.Thr598_Ser599insTer)

Gene: BRCA2. ClinVar aggregate classification (germline): Pathogenic. Pathogenic (1).

Submissions 23 to 33 of 33:

Laboratory for Molecular Medicine, Mass General Brigham Personalized Medicine
Classification: Pathogenic for Hereditary breast ovarian cancer syndrome. Last evaluated: 2020-06-19. Review status: criteria provided, single submitter. Criteria: ACMG Guidelines, 2015. Collection method: clinical testing. Allele origin: germline. Not counted in ClinVar's aggregate classification.
Comment: The p.Ser599X variant (also reported as c.2022del5, c.2024_2028delCTTAT, and c.2024del5) in BRCA2 has been reported in the literature in >15 individuals with BRCA2-related cancers and segregated with disease in at least three relatives (Gayther 1997, Håkansson 1997, Loman 2001, Ladopoulou 2002, Armakolas 2002, Bonadona 2005, Tommasi 2008, Kim 2012, Castéra 2014, Torres-Mejía 2015, Azzollini 2016, Barnes-Kedar 2018, Fostira 2018, Palmero 2018,Singh 2018,Bhaskaran 2019). This vairant has been identified in 1/111114 European chromosomes by gnomAD. This nonsense variant leads to a premature termination codon at position 599, which is predicted to lead to a truncated or absent protein. Loss of function of the BRCA2 gene is an established disease mechanism in autosomal dominant hereditary breast and ovarian cancer syndrome (HBOC). Additionally, this variant was classified as pathogenic on April 22, 2016 by the ClinGen-approved ENIGMA expert panel (ClinVar SCV000282361.1). In summary, this variant meets criteria to be classified as pathogenic for autosomal dominant HBOC. ACMG/AMP Criteria applied: PVS1; PM2; PS4, PP1.

Human Genome Sequencing Center Clinical Lab, Baylor College of Medicine
Classification: Pathogenic for Breast-ovarian cancer, familial, susceptibility to, 2. Last evaluated: 2017-05-25. Review status: criteria provided, single submitter. Criteria: ACMG Guidelines, 2015. Collection method: clinical testing. Allele origin: germline. Not counted in ClinVar's aggregate classification.
Comment: The c.1796_1800del (p.Ser599*) variant in the BRCA2 gene has been detected multiple patients with breast cancer [reported as 2022del5 in PMID 8988179]. This variant creates a premature stop codon at amino acid position 599 of the BRCA2 protein. This variant is thus predicted to result in a loss of function of the protein. This variant has not been observed in the ExAC population database. This variant thus classified as pathogenic.

Consortium of Investigators of Modifiers of BRCA1/2 (CIMBA), c/o University of Cambridge
Classification: Pathogenic for Breast-ovarian cancer, familial, susceptibility to, 2. Last evaluated: 2015-10-02. Review status: criteria provided, single submitter. Criteria: CIMBA Mutation Classification guidelines May 2016. Collection method: clinical testing. Allele origin: germline. Not counted in ClinVar's aggregate classification.

Juno Genomics, Hangzhou Juno Genomics, Inc
Classification: Pathogenic for Breast-ovarian cancer, familial, susceptibility to, 2. Review status: criteria provided, single submitter. Criteria: ACMG Guidelines, 2015. Collection method: clinical testing. Allele origin: germline. Not counted in ClinVar's aggregate classification.
Comment: Null variant in a gene where loss of function (LOF) is a known mechanism of disease.;Novel missense change at an amino acid residue where a different missense change determined to be pathogenic has been seen before.

BRCAlab, Lund University
Classification: Pathogenic for Breast-ovarian cancer, familial, susceptibility to, 2. Last evaluated: 2020-03-02. Review status: no assertion criteria provided. Collection method: clinical testing. Allele origin: germline. Affected: yes. Not counted in ClinVar's aggregate classification.

Counsyl
Classification: Pathogenic for Breast-ovarian cancer, familial, susceptibility to, 2. Last evaluated: 2017-03-20. Review status: no assertion criteria provided. Collection method: clinical testing. Allele origin: unknown. Not counted in ClinVar's aggregate classification.

Sharing Clinical Reports Project (SCRP)
Classification: Pathogenic for Breast-ovarian cancer, familial 2. Last evaluated: 2011-05-02. Review status: no assertion criteria provided. Collection method: clinical testing. Allele origin: germline. Not counted in ClinVar's aggregate classification.

Breast Cancer Information Core (BIC) (BRCA2)
Classification: Pathogenic for Breast-ovarian cancer, familial 2. Last evaluated: 2002-05-29. Review status: no assertion criteria provided. Collection method: clinical testing. Allele origin: germline. Affected: yes. Observed: 17 variant alleles. Not counted in ClinVar's aggregate classification.

Clinical Genetics Laboratory, Department of Pathology, Netherlands Cancer Institute
Classification: Pathogenic. Review status: no assertion criteria provided. Collection method: clinical testing. Allele origin: germline. Affected: yes. Study: VKGL Data-share Consensus. Not counted in ClinVar's aggregate classification.

Department of Pathology and Laboratory Medicine, Sinai Health System
Classification: Pathogenic for Malignant tumor of breast. Review status: no assertion criteria provided. Collection method: clinical testing. Allele origin: unknown. Affected: yes. Study: The Canadian Open Genetics Repository (COGR). Not counted in ClinVar's aggregate classification.
Comment: The p.Ser599X variant was identified in 2 of 816 proband chromosomes (frequency: 0.002) from individuals or families with breast and ovarian cancer (Gayther 1997, Bayraktar 2012). The variant was also identified in dbSNP (ID: rs276174813) â€šÃ„ÃºWith pathogenic alleleâ€šÃ„Ã¹, HGMD, the ClinVar database (classified as a pathogenic variant by the BIC and Invitae), GeneInsight VariantWire database (1X, classified as â€šÃ„Ãºpathogenicâ€šÃ„Ã¹ by a clinical laboratory), the BIC database (12X with clinical importance) and UMD (15X as a causal variant). The p.Ser599X variant leads to a premature stop codon at position 599, which is predicted to lead to a truncated or absent protein and loss of function. Loss of function variants of the BRCA2 gene are an established mechanism of disease in hereditary breast and ovarian cancer and is the type of variant expected to cause the disorder. In summary, based on the above information, this variant meets our laboratoryâ€šÃ„Ã´s criteria to be classified as pathogenic.

Genome Diagnostics Laboratory, University Medical Center Utrecht
Classification: Pathogenic. Review status: no assertion criteria provided. Collection method: clinical testing. Allele origin: germline. Affected: yes. Study: VKGL Data-share Consensus. Not counted in ClinVar's aggregate classification.

Literature cited by the submitters: PubMed 20104584 (cited by Labcorp Genetics (formerly Invitae), Labcorp and GeneKor MSA); PubMed 8988179 (cited by 8 submitters); PubMed 22009639 (cited by 5 submitters); PubMed 22085629 (cited by 4 submitters); PubMed 22798144 (cited by 7 submitters); PubMed 24549055 (cited by 4 submitters); PubMed 11504767 (cited by 3 submitters); PubMed 12142080 (cited by 5 submitters); PubMed 25371446 (cited by 6 submitters); PubMed 29084914 (cited by 5 submitters); PubMed 29335925 (cited by 4 submitters); PubMed 22762150 (cited by Quest Diagnostics Nichols Institute San Juan Capistrano and Laboratory for Molecular Medicine, Mass General Brigham Personalized Medicine); PubMed 33471991 (cited by Quest Diagnostics Nichols Institute San Juan Capistrano and Color Diagnostics, LLC DBA Color Health); PubMed 29446198 (cited by Quest Diagnostics Nichols Institute San Juan Capistrano and All of Us Research Program, National Institutes of Health); PubMed 31336956 (cited by Quest Diagnostics Nichols Institute San Juan Capistrano); PubMed 38785549 (cited by Quest Diagnostics Nichols Institute San Juan Capistrano); PubMed 33629534 (cited by Quest Diagnostics Nichols Institute San Juan Capistrano and Color Diagnostics, LLC DBA Color Health); PubMed 33599307 (cited by Quest Diagnostics Nichols Institute San Juan Capistrano); PubMed 32438681 (cited by Quest Diagnostics Nichols Institute San Juan Capistrano); PubMed 16199546 (cited by Dasa); PubMed 17063271 (cited by Dasa); PubMed 25632310 (cited by Dasa); PubMed 11897832 (cited by All of Us Research Program, National Institutes of Health); PubMed 30400234 (cited by All of Us Research Program, National Institutes of Health); PubMed 31209999 (cited by All of Us Research Program, National Institutes of Health); PubMed 31957001 (cited by All of Us Research Program, National Institutes of Health); PubMed 34645131 (cited by All of Us Research Program, National Institutes of Health and Color Diagnostics, LLC DBA Color Health); PubMed 36171877 (cited by All of Us Research Program, National Institutes of Health); PubMed 9150154 (cited by 3 submitters); PubMed 11754111 (cited by Color Diagnostics, LLC DBA Color Health and Laboratory for Molecular Medicine, Mass General Brigham Personalized Medicine); PubMed 15887246 (cited by Color Diagnostics, LLC DBA Color Health and Laboratory for Molecular Medicine, Mass General Brigham Personalized Medicine); PubMed 18694767 (cited by 3 submitters); PubMed 18752448 (cited by Color Diagnostics, LLC DBA Color Health); PubMed 34657357 (cited by Color Diagnostics, LLC DBA Color Health); PubMed 28294317 (cited by Women's Health and Genetics/Laboratory Corporation of America, LabCorp); PubMed 29907814 (cited by Women's Health and Genetics/Laboratory Corporation of America, LabCorp and Laboratory for Molecular Medicine, Mass General Brigham Personalized Medicine); PubMed 31871109 (cited by Women's Health and Genetics/Laboratory Corporation of America, LabCorp); PubMed 32427313 (cited by Women's Health and Genetics/Laboratory Corporation of America, LabCorp); PubMed 35535697 (cited by Laan Lab, Human Genetics Research Group, University of Tartu); PubMed 27062684 (cited by Laboratory for Molecular Medicine, Mass General Brigham Personalized Medicine); PubMed 28724667 (cited by Laboratory for Molecular Medicine, Mass General Brigham Personalized Medicine); PubMed 30014164 (cited by Laboratory for Molecular Medicine, Mass General Brigham Personalized Medicine); PubMed 29470806 (cited by Laboratory for Molecular Medicine, Mass General Brigham Personalized Medicine); PubMed 30702160 (cited by Laboratory for Molecular Medicine, Mass General Brigham Personalized Medicine); PubMed 31396961 (cited by Laboratory for Molecular Medicine, Mass General Brigham Personalized Medicine); PubMed 30720243 (cited by Laboratory for Molecular Medicine, Mass General Brigham Personalized Medicine); PubMed 31444830 (cited by Laboratory for Molecular Medicine, Mass General Brigham Personalized Medicine); PubMed 26295337 (cited by Laboratory for Molecular Medicine, Mass General Brigham Personalized Medicine).